The following is an entry in ClinVar:

ClinVar aggregate classification (germline): Uncertain significance (1 of 4 stars; one submission).

Conditions:
Cardiovascular phenotype. Identifiers: MedGen CN230736.

Allele frequency attached by ClinVar (database versions not stated): TOPMed below 0.00001.

Submission:

Ambry Genetics
Classification: Uncertain significance for Cardiovascular phenotype. Last evaluated: 2019-10-28. Review status: criteria provided, single submitter. Criteria: Ambry Variant Classification Scheme 2023. Collection method: clinical testing. Allele origin: germline.
Comment: The p.S606Y variant (also known as c.1817C>A), located in coding exon 12 of the DSG2 gene, results from a C to A substitution at nucleotide position 1817. The serine at codon 606 is replaced by tyrosine, an amino acid with dissimilar properties. This amino acid position is not well conserved in available vertebrate species. In addition, this alteration is predicted to be tolerated by in silico analysis. Since supporting evidence is limited at this time, the clinical significance of this alteration remains unclear.

NM_001943.5(DSG2):c.1817C>A (p.Ser606Tyr)

Gene: DSG2 (desmoglein 2; plus strand). Cytogenetic location: 18q12.1.
Variant type: single nucleotide variant.
Coding change: c.1817C>A on transcript NM_001943.5 (MANE Select); coding-DNA position 1817, C replaced by A.
Protein change: p.Ser606Tyr; replaces serine 606 with tyrosine.
Molecular consequence: missense variant.
Genome position (GRCh38, 1-based): chr18:31,538,916, C>A. VCF-style: chr18-31538916-C-A. GRCh37 (hg19) VCF-style: chr18-29118879-C-A.
Other names: short protein forms S606Y.
Identifiers: ClinVar variation 1780688 (VCV001780688.2), dbSNP rs2073249085, ClinGen allele CA402137951.
Genomic context (GRCh38, chr18:31,538,916, plus strand): 5'-TTACACTCACAGTTTGTGAGTGTCTGCATGGCAGCGGCTGCAGGGAAGCACAGCATGACT[C>A]CTATGTGGGCCTGGGACCCGCAGCAATTGCGCTCATGATTTTGGCCTTTCTGCTCCTGCT-3'
Protein context (NP_001934.2, residues 596-616): GSGCREAQHD[Ser606Tyr]YVGLGPAAIA